The following is an entry in ClinVar:

NM_000157.4(GBA1):c.1193G>T (p.Arg398Leu)

Genes: GBA1 (glucosylceramidase beta 1; minus strand), LOC106627981 (GBA recombination region; plus strand). Cytogenetic location: 1q22.
Variant type: single nucleotide variant.
Coding change: c.1193G>T on transcript NM_000157.4 (MANE Select); coding-DNA position 1193, G replaced by T.
Protein change: p.Arg398Leu; replaces arginine 398 with leucine.
Molecular consequence: missense variant.
Genome position (GRCh38, 1-based): chr1:155,236,276, C>A on the plus strand (G>T on the coding strand, the complement: GBA1 is on the minus strand). VCF-style: chr1-155236276-C-A. GRCh37 (hg19) VCF-style: chr1-155206067-C-A.
Other names: c.1193G>T, p.Arg398Leu (NM_001005741.3, NM_001005742.3); c.932G>T, p.Arg311Leu (NM_001171811.2); c.1046G>T, p.Arg349Leu (NM_001171812.2); short protein forms R311L, R349L, R398L.
Identifiers: ClinVar variation 3257292 (VCV003257292.17).

ClinVar aggregate classification (germline): Pathogenic (1 of 4 stars; one submission).

Submission:

CeGaT Center for Human Genetics Tuebingen
Classification: Pathogenic. Last evaluated: 2025-11-01. Review status: criteria provided, single submitter. Criteria: CeGaT Center For Human Genetics Tuebingen Variant Classification Criteria Version 2. Collection method: clinical testing. Allele origin: germline. Affected: yes. Observed: 3 variant alleles.
Comment: GBA1: PM1, PM2, PM3, PM5, PP4:Moderate